The following is an entry in ClinVar:

ClinVar aggregate classification (germline): Likely pathogenic (1 of 4 stars; one submission).

Conditions:
Mucopolysaccharidosis type 6 (MPS6). Also called: N-ACETYLGALACTOSAMINE-4-SULFATASE DEFICIENCY; MPS VI; ARSB DEFICIENCY; ARYLSULFATASE B DEFICIENCY; MPS 6; Maroteaux Lamy syndrome. Identifiers: Orphanet 583, MedGen C0026709, MONDO:0009661, OMIM 253200.

Submission:

Labcorp Genetics (formerly Invitae), Labcorp
Classification: Likely pathogenic for Mucopolysaccharidosis type 6. Last evaluated: 2020-10-07. Review status: criteria provided, single submitter. Criteria: Invitae Variant Classification Sherloc (09022015). Collection method: clinical testing. Allele origin: germline.
Comment: This sequence change results in a frameshift in the ARSB gene (p.*534Serext*50). While this is not anticipated to result in nonsense mediated decay, it is expected to replace the original stop signal with a serine residue and extend the ARSB protein by an additional 49 amino acids. This variant is not present in population databases (ExAC no frequency). This variant has not been reported in the literature in individuals with ARSB-related conditions. This variant results in an extension of the ARSB protein. Other variant(s) that result in a similarly extended protein product (p.*534Glnext*50 and p.*534Trpext*50, also known as p.*534W) have been observed in individuals with ARSB-related conditions (PMID: 8144552, 26909334, 30524696). This suggests that these extensions may be clinically significant. In summary, the currently available evidence indicates that the variant is pathogenic, but additional data are needed to prove that conclusively. Therefore, this variant has been classified as Likely Pathogenic.

Literature cited by the submitters: PubMed 8144552; PubMed 26909334; PubMed 30524696.

NM_000046.5(ARSB):c.1601A>C (p.Ter534Ser)

Gene: ARSB (arylsulfatase B; minus strand). Cytogenetic location: 5q14.1.
Variant type: single nucleotide variant.
Coding change: c.1601A>C on transcript NM_000046.5 (MANE Select); coding-DNA position 1601, A replaced by C.
Protein change: p.Ter534Ser.
Molecular consequence: stop lost.
Genome position (GRCh38, 1-based): chr5:78,780,398, T>G on the plus strand (A>C on the coding strand, the complement: ARSB is on the minus strand). VCF-style: chr5-78780398-T-G. GRCh37 (hg19) VCF-style: chr5-78076221-T-G.
Other names: *534S.
Identifiers: ClinVar variation 854092 (VCV000854092.8), dbSNP rs1554069655, ClinGen allele CA360338757.
Genomic context (GRCh38, chr5:78,780,398, plus strand): 5'-GTGAGAAAAGGCCTGAGGTCCAACTTCCAATTGAAAGGTTTTCTAGCCTCCCTGAAATCC[T>G]ACATCCAAGGGCCCCACACCCCAGTGGCCTTGGGATCACAGCGGGGGTCCTGTGCAGGGA-3'